The following is an entry in ClinVar:

ClinVar aggregate classification (germline): Pathogenic (1 of 4 stars; one submission).

Allele frequency attached by ClinVar (database versions not stated): gnomAD exomes below 0.00001.

Submission:

Labcorp Genetics (formerly Invitae), Labcorp
Classification: Pathogenic. Last evaluated: 2025-04-22. Review status: criteria provided, single submitter. Criteria: Invitae Variant Classification Sherloc (09022015). Collection method: clinical testing. Allele origin: germline.
Comment: This sequence change creates a premature translational stop signal (p.Ser474Leufs*9) in the C9 gene. It is expected to result in an absent or disrupted protein product. Loss-of-function variants in C9 are known to be pathogenic (PMID: 9144525, 9570574). This variant is not present in population databases (gnomAD no frequency). This variant has not been reported in the literature in individuals affected with C9-related conditions. ClinVar contains an entry for this variant (Variation ID: 1452941). For these reasons, this variant has been classified as Pathogenic.

Literature cited by the submitters: PubMed 9144525; PubMed 9570574.

NM_001737.5(C9):c.1419del (p.Ser474fs)

Gene: C9 (complement C9; minus strand). Cytogenetic location: 5p13.1.
Variant type: Deletion.
Coding change: c.1419del on transcript NM_001737.5 (MANE Select); coding-DNA position 1419, one base deleted (G; older notation c.1419delG).
Protein change: p.Ser474fs; shifts the reading frame from serine 474.
Molecular consequence: frameshift variant.
Genome position (GRCh38, 1-based): chr5:39,288,949, C deleted on the plus strand (G on the coding strand, the reverse complement: C9 is on the minus strand). VCF-style (leftmost placement, unchanged base first): chr5-39288948-AC-A. GRCh37 (hg19) VCF-style: chr5-39289050-AC-A.
Other names: short protein forms S474fs.
Identifiers: ClinVar variation 1452941 (VCV001452941.6), dbSNP rs2111836553, ClinGen allele CA2573139753.